The following is an entry in ClinVar:

NM_003482.4(KMT2D):c.3257T>C (p.Leu1086Ser)

Gene: KMT2D (lysine methyltransferase 2D; minus strand). Cytogenetic location: 12q13.12.
Variant type: single nucleotide variant.
Coding change: c.3257T>C on transcript NM_003482.4 (MANE Select); coding-DNA position 3257, T replaced by C.
Protein change: p.Leu1086Ser; replaces leucine 1086 with serine.
Molecular consequence: missense variant.
Genome position (GRCh38, 1-based): chr12:49,050,331, A>G on the plus strand (T>C on the coding strand, the complement: KMT2D is on the minus strand). VCF-style: chr12-49050331-A-G. GRCh37 (hg19) VCF-style: chr12-49444114-A-G.
Other names: short protein forms L1086S.
Identifiers: ClinVar variation 2704712 (VCV002704712.3), dbSNP rs2120648970, ClinGen allele CA384658315.

ClinVar aggregate classification (germline): Uncertain significance (1 of 4 stars; one submission).

Conditions:
Kabuki syndrome. Also called: Kabuki make-up syndrome; NIIKAWA-KUROKI SYNDROME. Identifiers: Orphanet 2322, MedGen C0796004, MONDO:0016512.

Allele frequency attached by ClinVar (database versions not stated): gnomAD exomes below 0.00001.
gnomAD v4.1: 3 of 1,611,190 alleles (0.00019%); highest among the groups gnomAD compares: Non-Finnish European, 0.00025%; no homozygotes.

Submission:

Labcorp Genetics (formerly Invitae), Labcorp
Classification: Uncertain significance for Kabuki syndrome. Last evaluated: 2023-12-21. Review status: criteria provided, single submitter. Criteria: Invitae Variant Classification Sherloc (09022015). Collection method: clinical testing. Allele origin: germline.
Comment: This sequence change replaces leucine, which is neutral and non-polar, with serine, which is neutral and polar, at codon 1086 of the KMT2D protein (p.Leu1086Ser). This variant is not present in population databases (gnomAD no frequency). This variant has not been reported in the literature in individuals affected with KMT2D-related conditions. Advanced modeling of protein sequence and biophysical properties (such as structural, functional, and spatial information, amino acid conservation, physicochemical variation, residue mobility, and thermodynamic stability) has been performed at Invitae for this missense variant, however the output from this modeling did not meet the statistical confidence thresholds required to predict the impact of this variant on KMT2D protein function. In summary, the available evidence is currently insufficient to determine the role of this variant in disease. Therefore, it has been classified as a Variant of Uncertain Significance.